The following is an entry in ClinVar:

NM_022124.6(CDH23):c.2719dup (p.Val907fs)

Gene: CDH23 (cadherin related 23; plus strand). Cytogenetic location: 10q22.1.
Variant type: Duplication.
Coding change: c.2719dup on transcript NM_022124.6 (MANE Select); coding-DNA position 2719, one base duplicated (G; older notation c.2719dupG).
Protein change: p.Val907fs; shifts the reading frame from valine 907.
Molecular consequence: frameshift variant.
Genome position (GRCh38, 1-based): chr10:71,702,680, G duplicated; the last of 5 consecutive G bases (chr10:71,702,676-71,702,680); duplicating any one gives the same sequence. VCF-style (leftmost placement, unchanged base first): chr10-71702675-C-CG. GRCh37 (hg19) VCF-style: chr10-73462432-C-CG.
Other names: c.2719dup, p.Val907fs (NM_001171930.2, NM_001171931.2); short protein forms V907fs.
Identifiers: ClinVar variation 1072143 (VCV001072143.7), dbSNP rs2132733369, ClinGen allele CA2499220324.

ClinVar aggregate classification (germline): Pathogenic (1 of 4 stars; one submission).

Submission:

Labcorp Genetics (formerly Invitae), Labcorp
Classification: Pathogenic. Last evaluated: 2021-07-07. Review status: criteria provided, single submitter. Criteria: Invitae Variant Classification Sherloc (09022015). Collection method: clinical testing. Allele origin: germline.
Comment: This sequence change creates a premature translational stop signal (p.Val907Glyfs*13) in the CDH23 gene. It is expected to result in an absent or disrupted protein product. Loss-of-function variants in CDH23 are known to be pathogenic (PMID: 11138009, 21940737). This variant is not present in population databases (ExAC no frequency). This variant has not been reported in the literature in individuals affected with CDH23-related conditions. ClinVar contains an entry for this variant (Variation ID: 1072143). For these reasons, this variant has been classified as Pathogenic.

Literature cited by the submitters: PubMed 11138009; PubMed 21940737.